The following is an entry in ClinVar:

NM_001286577.2(C2CD3):c.3342C>T (p.Cys1114=)

Gene: C2CD3 (C2 domain containing 3 centriole elongation regulator; minus strand). Cytogenetic location: 11q13.4.
Variant type: single nucleotide variant.
Coding change: c.3342C>T on transcript NM_001286577.2 (MANE Select); coding-DNA position 3342, C replaced by T.
Protein change: p.Cys1114=; no amino-acid change (cysteine 1114 retained).
Molecular consequence: synonymous variant.
Genome position (GRCh38, 1-based): chr11:74,093,818, G>A on the plus strand (C>T on the coding strand, the complement: C2CD3 is on the minus strand). VCF-style: chr11-74093818-G-A. GRCh37 (hg19) VCF-style: chr11-73804863-G-A.
Other names: c.3342C>T, p.Cys1114= (NM_015531.6).
Identifiers: ClinVar variation 1410327 (VCV001410327.3), dbSNP rs147520824, ClinGen allele CA224506682.
Genomic context (GRCh38, chr11:74,093,818, plus strand): 5'-ATGCTTTATGATTGTGCACTTCCTTCCTAGGCATAGGACTGGGGTCTCCACACTGTACCT[G>A]CACCAGATTTCAAACTGGACTCCACCTCCAGGCACGAGGCCCTGTGCAGAGAAAGCACTT-3'
Protein context (NP_001273506.1, residues 1104-1124): PGGGVQFEIW[Cys1114=]RYYYPNVRDQ

ClinVar aggregate classification (germline): Uncertain significance (1 of 4 stars; one submission).

Allele frequency attached by ClinVar (database versions not stated): gnomAD exomes below 0.00001 and 0.00001; TOPMed 0.00002; gnomAD 0.00003; ESP Exome Variant Server 0.00008.

Submission:

Labcorp Genetics (formerly Invitae), Labcorp
Classification: Uncertain significance. Last evaluated: 2022-08-15. Review status: criteria provided, single submitter. Criteria: Invitae Variant Classification Sherloc (09022015). Collection method: clinical testing. Allele origin: germline.
Comment: This sequence change affects codon 1114 of the C2CD3 mRNA. It is a 'silent' change, meaning that it does not change the encoded amino acid sequence of the C2CD3 protein. RNA analysis indicates that this variant induces altered splicing and may result in an absent or disrupted protein product. This variant is present in population databases (rs147520824, gnomAD 0.0009%). This variant has been observed in individual(s) with clinical features of Joubert-related syndromes (PMID: 30097616). ClinVar contains an entry for this variant (Variation ID: 1410327). Studies have shown that this variant results in skipping of exon 18 and introduces a premature termination codon (PMID: 30097616). The resulting mRNA is expected to undergo nonsense-mediated decay. In summary, the available evidence is currently insufficient to determine the role of this variant in disease. Therefore, it has been classified as a Variant of Uncertain Significance.

Literature cited by the submitters: PubMed 30097616.